The following is an entry in ClinVar:

NM_001367624.2(ZNF469):c.8827T>A (p.Phe2943Ile)

Gene: ZNF469 (zinc finger protein 469; plus strand). Cytogenetic location: 16q24.2.
Variant type: single nucleotide variant.
Coding change: c.8827T>A on transcript NM_001367624.2 (MANE Select); coding-DNA position 8827, T replaced by A.
Protein change: p.Phe2943Ile; replaces phenylalanine 2943 with isoleucine.
Molecular consequence: missense variant.
Genome position (GRCh38, 1-based): chr16:88,436,297, T>A. VCF-style: chr16-88436297-T-A. GRCh37 (hg19) VCF-style: chr16-88502705-T-A.
Other names: NM_001127464.1:c.8743T>A; short protein forms F2943I.
Identifiers: ClinVar variation 1933317 (VCV001933317.6), dbSNP rs1179373357, ClinGen allele CA397119512.

ClinVar aggregate classification (germline): Uncertain significance. Review status: criteria provided, multiple submitters, no conflicts (2 of 4 stars). 2 submissions from 2 submitters: Uncertain significance (2). Last evaluated 2024-05-24.

Conditions:
Cardiovascular phenotype. Identifiers: MedGen CN230736.

Allele frequency attached by ClinVar (database versions not stated): gnomAD exomes 0.00001; TOPMed 0.00001.
gnomAD v4.1: 4 of 1,549,850 alleles (0.00026%); highest among the groups gnomAD compares: Admixed American, 0.0059%; no homozygotes.

Submissions (2):

Ambry Genetics
Classification: Uncertain significance for Cardiovascular phenotype. Last evaluated: 2024-05-24. Review status: criteria provided, single submitter. Criteria: Ambry Variant Classification Scheme 2023. Collection method: clinical testing. Allele origin: germline.
Comment: The p.F2915I variant (also known as c.8743T>A), located in coding exon 2 of the ZNF469 gene, results from a T to A substitution at nucleotide position 8743. The phenylalanine at codon 2915 is replaced by isoleucine, an amino acid with highly similar properties. This amino acid position is conserved. In addition, this alteration is predicted to be tolerated by in silico analysis. Based on the available evidence, the clinical significance of this variant remains unclear.

Labcorp Genetics (formerly Invitae), Labcorp
Classification: Uncertain significance. Last evaluated: 2022-08-21. Review status: criteria provided, single submitter. Criteria: Invitae Variant Classification Sherloc (09022015). Collection method: clinical testing. Allele origin: germline.
Comment: This variant is present in population databases (no rsID available, gnomAD 0.01%). In summary, the available evidence is currently insufficient to determine the role of this variant in disease. Therefore, it has been classified as a Variant of Uncertain Significance. Algorithms developed to predict the effect of missense changes on protein structure and function (SIFT, PolyPhen-2, Align-GVGD) all suggest that this variant is likely to be tolerated. This variant has not been reported in the literature in individuals affected with ZNF469-related conditions. This sequence change replaces phenylalanine, which is neutral and non-polar, with isoleucine, which is neutral and non-polar, at codon 2915 of the ZNF469 protein (p.Phe2915Ile).